The following is an entry in ClinVar:

NM_007294.4(BRCA1):c.5090G>C (p.Cys1697Ser)

Gene: BRCA1 (BRCA1 DNA repair associated; minus strand). Cytogenetic location: 17q21.31.
Variant type: single nucleotide variant.
Coding change: c.5090G>C on transcript NM_007294.4 (MANE Select); coding-DNA position 5090, G replaced by C.
Protein change: p.Cys1697Ser; replaces cysteine 1697 with serine.
Molecular consequence: missense variant. On other transcripts: non-coding transcript variant (1).
Genome position (GRCh38, 1-based): chr17:43,063,936, C>G on the plus strand (G>C on the coding strand, the complement: BRCA1 is on the minus strand). VCF-style: chr17-43063936-C-G. GRCh37 (hg19) VCF-style: chr17-41215953-C-G.
Other names: c.1778G>C, p.Cys593Ser (NM_001407986.1, NM_001407990.1, NM_001407991.1 and 13 more transcripts); c.1775G>C, p.Cys592Ser (NM_001408392.1, NM_001408396.1, NM_001408397.1 and 8 more transcripts); c.1769G>C, p.Cys590Ser (NM_001408409.1); c.1706G>C, p.Cys569Ser (NM_001408410.1); c.1703G>C, p.Cys568Ser (NM_001408411.1); c.1700G>C, p.Cys567Ser (NM_001408412.1, NM_001408413.1, NM_001408414.1 and 2 more transcripts); c.1664G>C, p.Cys555Ser (NM_001408418.1, NM_001408419.1, NM_001408420.1); c.1658G>C, p.Cys553Ser (NM_001408429.1, NM_001408430.1, NM_001408431.1 and 4 more transcripts); and 71 more; short protein forms C1650S, C1697S, C593S, C1718S, C1570S, C1586S, C1609S, C1628S.
Identifiers: ClinVar variation 867630 (VCV000867630.9), dbSNP rs397507241, ClinGen allele CA10591346.

ClinVar aggregate classification (germline): Conflicting classifications of pathogenicity. Review status: criteria provided, conflicting classifications (1 of 4 stars). 2 submissions from 2 submitters: Uncertain significance (1); Likely benign (1). Last evaluated 2024-04-12.

Conditions:
Hereditary breast ovarian cancer syndrome. Also called: Hereditary breast and ovarian cancer; Hereditary breast and ovarian cancer syndrome (HBOC); Breast and ovarian cancer; Hereditary breast and/or ovarian cancer syndrome; BRCA1- and BRCA2-Associated Hereditary Breast and Ovarian Cancer; Hereditary breast and ovarian cancer syndrome. Identifiers: Orphanet 145, MedGen C0677776, MeSH D061325, MONDO:0003582. Disease mechanism: loss of function.
Breast-ovarian cancer, familial, susceptibility to, 1 (BROVCA1). Also called: BRCA1 Hereditary Breast and Ovarian Cancer; OVARIAN CANCER, SUSCEPTIBILITY TO. Identifiers: Orphanet 145, MedGen C2676676, MONDO:0011450, OMIM 604370. Disease mechanism: loss of function.

Allele frequency attached by ClinVar (database versions not stated): gnomAD exomes below 0.00001.
gnomAD v4.1: 1 of 1,614,080 alleles (0.000062%); highest among the groups gnomAD compares: Admixed American, 0.0017%; no homozygotes.

Submissions (3):

Lupski Lab, Baylor-Hopkins CMG, Baylor College of Medicine
Classification: Likely benign for Breast-ovarian cancer, familial, susceptibility to, 1. Last evaluated: 2024-04-12. Review status: criteria provided, single submitter. Criteria: Dawood et al. (medRxiv. 2024). Collection method: curation. Allele origin: germline.
Comment: Each variant was annotated with functional scores from MAVE data which was translated into functional evidence codes. All other evidence codes and combining criteria were adhered to as closely as possible based on the ClinGen VCEP (Variant Curation Expert Panel) gene-specific recommendations. See Supplemental Figure 34 of final paper (Supp Fig. 28 in preprint: doi:10.1101/2024.04.11.24305690) for a table to see which lines of evidence we did not have data for. The ClinGen VCEPs are highly regarded as the gold-standard for gene-specific variant curation and are developed after extensive evaluation of the evidence by clinical and scientific experts for the particular gene to classify genomic variants on a spectrum from pathogenic to benign using the 2015 ACMG/AMP Variant Interpretation Guidelines as a backbone (PMID: 25741868). Reclassification of these VUS variants from gnomAD or All of Us focused only on variants originally prescribed as VUS in ClinVar. To ensure reproducibility, transparency, and increased throughput, all the procedures for annotating variants and assigning evidence codes were codified using Python. All code has been made freely available and is linked in the Code Availability section and all reclassified variants with evidence codes used can be found in Tables S18-19 (preprint: doi:10.1101/2024.04.11.24305690). For the MAVE data, the clinical curation and clinical strength assignment as per the ClinGen recommendations in Brnich et al. (2020) (PMID: 31892348) for or against pathogenicity or benignity of each of these MAVE datasets utilized in this study were previously published in Fayer et al. (2021) (PMID: 34793697).In brief, for BRCA1 variants, if a variant was categorized as FUNC (functional), it was assigned BS3 evidence and no PS3 evidence, whereas if it was categorized as LOF (loss of function), the variant was assigned PS3 evidence and no BS3 evidence. Variants categorized as INT (intermediate) were left unannotated. For the BRCA1 combining criteria, greater than or equal to 1 criteria of strong benign evidence was enough to reclassify the VUS as Likely Benign. This variant GRCh37:17:41215953:C>G was assigned evidence codes ['BS3'] and an overall classification of Likely Benign

Labcorp Genetics (formerly Invitae), Labcorp
Classification: Uncertain significance for Hereditary breast ovarian cancer syndrome. Last evaluated: 2022-06-27. Review status: criteria provided, single submitter. Criteria: Invitae Variant Classification Sherloc (09022015). Collection method: clinical testing. Allele origin: germline.
Comment: In summary, the available evidence is currently insufficient to determine the role of this variant in disease. Therefore, it has been classified as a Variant of Uncertain Significance. Experimental studies have shown that this missense change does not substantially affect BRCA1 function (PMID: 30209399). Advanced modeling of experimental studies (such as gene expression, population dynamics, functional pathways, and cell-cycle effects in cell culture) performed at Invitae indicates that this missense variant is not expected to disrupt BRCA1 protein function. ClinVar contains an entry for this variant (Variation ID: 867630). This variant has not been reported in the literature in individuals affected with BRCA1-related conditions. This variant is present in population databases (no rsID available, gnomAD 0.003%). This sequence change replaces cysteine, which is neutral and slightly polar, with serine, which is neutral and polar, at codon 1697 of the BRCA1 protein (p.Cys1697Ser).

Brotman Baty Institute, University of Washington
No classification provided (evidence only). Condition: Breast-ovarian cancer, familial 1. Review status: no classification provided. Collection method: in vitro. Allele origin: not applicable. Functional consequence: functionally_normal. Not counted in ClinVar's aggregate classification.
ClinVar note: "not provided" was previously submitted as the classification for the variant. However, the classification appeared to be based only on an observation of functional data so it was converted to no classification on 2025-07-30.

Literature cited by the submitters: PubMed 39142283 (cited by Lupski Lab, Baylor-Hopkins CMG, Baylor College of Medicine); PubMed 34793697 (cited by Lupski Lab, Baylor-Hopkins CMG, Baylor College of Medicine); DOI 10.1101/2024.04.11.24305690 (cited by Lupski Lab, Baylor-Hopkins CMG, Baylor College of Medicine); PubMed 30209399 (cited by Labcorp Genetics (formerly Invitae), Labcorp).